The following is an entry in ClinVar:

NM_004336.5(BUB1):c.1780C>T (p.Pro594Ser)

Gene: BUB1 (BUB1 mitotic checkpoint serine/threonine kinase; minus strand). Cytogenetic location: 2q13.
Variant type: single nucleotide variant.
Coding change: c.1780C>T on transcript NM_004336.5 (MANE Select); coding-DNA position 1780, C replaced by T.
Protein change: p.Pro594Ser; replaces proline 594 with serine.
Molecular consequence: missense variant.
Genome position (GRCh38, 1-based): chr2:110,655,835, G>A on the plus strand (C>T on the coding strand, the complement: BUB1 is on the minus strand). VCF-style: chr2-110655835-G-A. GRCh37 (hg19) VCF-style: chr2-111413412-G-A.
Other names: c.1720C>T, p.Pro574Ser (NM_001278616.2); c.1780C>T, p.Pro594Ser (NM_001278617.2); short protein forms P574S, P594S.
Identifiers: ClinVar variation 2593797 (VCV002593797.2), dbSNP rs2468001957, ClinGen allele CA348210819.

ClinVar aggregate classification (germline): Uncertain significance (1 of 4 stars; one submission).

Submission:

Ambry Genetics
Classification: Uncertain significance. Last evaluated: 2023-08-29. Review status: criteria provided, single submitter. Criteria: Ambry Variant Classification Scheme 2023. Collection method: clinical testing. Allele origin: germline.
Comment: The p.P594S variant (also known as c.1780C>T), located in coding exon 16 of the BUB1 gene, results from a C to T substitution at nucleotide position 1780. The proline at codon 594 is replaced by serine, an amino acid with similar properties. This amino acid position is conserved. In addition, the in silico prediction for this alteration is inconclusive. Since supporting evidence is limited at this time, the clinical significance of this alteration remains unclear.